The following is an entry in ClinVar:

ClinVar aggregate classification (germline): Benign/Likely benign. Review status: criteria provided, multiple submitters, no conflicts (2 of 4 stars). 2 submissions from 2 submitters: Benign (1); Likely benign (1). Last evaluated 2024-07-03.

Conditions:
Oligodontia-cancer predisposition syndrome. Also called: TOOTH AGENESIS-COLORECTAL CANCER SYNDROME. Identifiers: Orphanet 300576, MedGen C1837750, MONDO:0012075, OMIM 608615. Disease mechanism: loss of function.

Allele frequency attached by ClinVar (database versions not stated): gnomAD exomes below 0.00001; gnomAD 0.00001.
gnomAD v4.1: 1 of 1,613,754 alleles (0.000062%); highest among the groups gnomAD compares: Non-Finnish European, 0.000085%; no homozygotes.

Submissions (2):

Myriad Genetics, Inc.
Classification: Benign for Oligodontia-cancer predisposition syndrome. Last evaluated: 2024-07-03. Review status: criteria provided, single submitter. Criteria: Myriad Autosomal Dominant, Autosomal Recessive and X-Linked Classification Criteria (2023). Collection method: clinical testing. Allele origin: unknown.
Comment: This variant is considered benign. This variant is a silent/synonymous amino acid change and it is not expected to impact splicing.

Labcorp Genetics (formerly Invitae), Labcorp
Classification: Likely benign for Oligodontia-cancer predisposition syndrome. Last evaluated: 2019-11-16. Review status: criteria provided, single submitter. Criteria: Invitae Variant Classification Sherloc (09022015). Collection method: clinical testing. Allele origin: germline.

NM_004655.4(AXIN2):c.1521C>T (p.Thr507=)

Gene: AXIN2 (axin 2; minus strand). Cytogenetic location: 17q24.1.
Variant type: single nucleotide variant.
Coding change: c.1521C>T on transcript NM_004655.4 (MANE Select); coding-DNA position 1521, C replaced by T.
Protein change: p.Thr507=; no amino-acid change (threonine 507 retained).
Molecular consequence: synonymous variant.
Genome position (GRCh38, 1-based): chr17:65,537,515, G>A on the plus strand (C>T on the coding strand, the complement: AXIN2 is on the minus strand). VCF-style: chr17-65537515-G-A. GRCh37 (hg19) VCF-style: chr17-63533633-G-A.
Other names: c.1521C>T, p.Thr507= (NM_001363813.1).
Identifiers: ClinVar variation 753418 (VCV000753418.11), dbSNP rs1317740172, ClinGen allele CA501691496.